The following is an entry in ClinVar:

ClinVar aggregate classification (germline): Uncertain significance (1 of 4 stars; one submission).

Allele frequency attached by ClinVar (database versions not stated): gnomAD exomes below 0.00001; TOPMed 0.00002.
gnomAD v4.1: 4 of 1,613,450 alleles (0.00025%); highest among the groups gnomAD compares: Non-Finnish European, 0.000085%; no homozygotes.

Submission:

Labcorp Genetics (formerly Invitae), Labcorp
Classification: Uncertain significance. Last evaluated: 2016-09-22. Review status: criteria provided, single submitter. Criteria: Invitae Variant Classification Sherloc (09022015). Collection method: clinical testing. Allele origin: germline.
Comment: This sequence change replaces isoleucine with phenylalanine at codon 409 of the DYX1C1 protein (p.Ile409Phe). The isoleucine residue is highly conserved and there is a small physicochemical difference between isoleucine and phenylalanine. This variant is not present in population databases (ExAC no frequency) and has not been reported in the literature in individuals with a DYX1C1-related disease. Algorithms developed to predict the effect of missense changes on protein structure and function do not agree on the potential impact of this missense change (SIFT: "Deleterious"; PolyPhen-2: "Probably Damaging"; Align-GVGD: "Class C0"). In summary, this variant is a novel missense change with uncertain impact on protein function. It has been classified as a Variant of Uncertain Significance.

NM_130810.4(DNAAF4):c.1225A>T (p.Ile409Phe)

Genes: DNAAF4-CCPG1 (DNAAF4-CCPG1 readthrough (NMD candidate); minus strand), DNAAF4 (dynein axonemal assembly factor 4; minus strand). Cytogenetic location: 15q21.3.
Variant type: single nucleotide variant.
Coding change: c.1225A>T on transcript NM_130810.4 (MANE Select); coding-DNA position 1225, A replaced by T.
Protein change: p.Ile409Phe; replaces isoleucine 409 with phenylalanine.
Molecular consequence: missense variant. On other transcripts: intron variant (1).
Genome position (GRCh38, 1-based): chr15:55,430,708, T>A on the plus strand (A>T on the coding strand, the complement: DNAAF4 is on the minus strand). VCF-style: chr15-55430708-T-A. GRCh37 (hg19) VCF-style: chr15-55722906-T-A.
Other names: c.1119A>T, p.Arg373Ser (NM_001033559.3); c.1047+4197A>T (NM_001033560.2); short protein forms I409F, R373S.
Identifiers: ClinVar variation 410962 (VCV000410962.11), dbSNP rs1060503094, ClinGen allele CA16614854.
Genomic context (GRCh38, chr15:55,430,708, plus strand): 5'-ACTTAGTTACTTCTAATAGTCATTAAGATTTTAGTTCTGTTCCTTGAATTACATTCCGAA[T>A]CTTCTCAGCATCAATTTGTACAATTTTGTTGGATGGATCAATCTTAAGTGCCGCTTCATA-3'
Protein context (NP_570722.2, residues 399-419): NKIVQIDAEK[Ile409Phe]RNVIQGTELK